The following is an entry in ClinVar:

ClinVar aggregate classification (germline): Conflicting classifications of pathogenicity. Review status: criteria provided, conflicting classifications (1 of 4 stars). 2 submissions from 2 submitters: Uncertain significance (1); Benign (1). Last evaluated 2025-09-09.

Conditions:
Hereditary cancer-predisposing syndrome. Also called: Hereditary neoplastic syndrome; Hereditary Cancer Syndrome; Neoplastic Syndromes, Hereditary; Tumor predisposition. Identifiers: Orphanet 140162, MedGen C0027672, MeSH D009386, MONDO:0015356.
Familial adenomatous polyposis 2. Also called: MYH-associated polyposis; COLORECTAL ADENOMATOUS POLYPOSIS, AUTOSOMAL RECESSIVE; ADENOMAS, MULTIPLE COLORECTAL, AUTOSOMAL RECESSIVE; MUTYH-related attenuated familial adenomatous polyposis; Adenomas, multiple colorectal; FAP type 2. Identifiers: Orphanet 220460, Orphanet 247798, MedGen C3272841, MONDO:0012041, OMIM 608456.

Submissions (2):

Ambry Genetics
Classification: Benign for Hereditary cancer-predisposing syndrome. Last evaluated: 2025-09-09. Review status: criteria provided, single submitter. Criteria: Ambry Variant Classification Scheme 2023. Collection method: clinical testing. Allele origin: germline.

Labcorp Genetics (formerly Invitae), Labcorp
Classification: Uncertain significance for Familial adenomatous polyposis 2. Last evaluated: 2023-06-22. Review status: criteria provided, single submitter. Criteria: Invitae Variant Classification Sherloc (09022015). Collection method: clinical testing. Allele origin: germline.
Comment: This variant is not present in population databases (gnomAD no frequency). In summary, the available evidence is currently insufficient to determine the role of this variant in disease. Therefore, it has been classified as a Variant of Uncertain Significance. Algorithms developed to predict the effect of missense changes on protein structure and function output the following: SIFT: "Not Available"; PolyPhen-2: "Benign"; Align-GVGD: "Not Available". The threonine amino acid residue is found in multiple mammalian species, which suggests that this missense change does not adversely affect protein function. ClinVar contains an entry for this variant (Variation ID: 483903). This variant has not been reported in the literature in individuals affected with MUTYH-related conditions. This sequence change replaces alanine, which is neutral and non-polar, with threonine, which is neutral and polar, at codon 91 of the MUTYH protein (p.Ala91Thr).

NM_001048174.2(MUTYH):c.187G>A (p.Ala63Thr)

Gene: MUTYH (mutY DNA glycosylase; minus strand). Cytogenetic location: 1p34.1.
Variant type: single nucleotide variant.
Coding change: c.187G>A on transcript NM_001048174.2 (MANE Select); coding-DNA position 187, G replaced by A.
Protein change: p.Ala63Thr; replaces alanine 63 with threonine.
Molecular consequence: missense variant. On other transcripts: 5 prime UTR variant (4), non-coding transcript variant (2).
Genome position (GRCh38, 1-based): chr1:45,333,490, C>T on the plus strand (G>A on the coding strand, the complement: MUTYH is on the minus strand). VCF-style: chr1-45333490-C-T. GRCh37 (hg19) VCF-style: chr1-45799162-C-T.
Other names: c.187G>A, p.Ala63Thr (NM_001048171.2, NM_001048173.2, NM_001293195.2); c.190G>A, p.Ala64Thr (NM_001048172.2); c.271G>A, p.Ala91Thr (NM_001128425.2); c.232G>A, p.Ala78Thr (NM_001293190.2); c.220G>A, p.Ala74Thr (NM_001293191.2); c.-90G>A (NM_001293192.2, NM_001293196.2); c.-85G>A (NM_001350650.2, NM_001350651.2); c.262G>A, p.Ala88Thr (NM_012222.3); short protein forms A91T, A64T, A88T, A74T, A63T, A78T.
Identifiers: ClinVar variation 483903 (VCV000483903.9), dbSNP rs1553130284, ClinGen allele CA340136482.